The following is an entry in ClinVar:

ClinVar aggregate classification (germline): Uncertain significance (1 of 4 stars; one submission).

Conditions:
Hereditary cancer-predisposing syndrome. Also called: Neoplastic Syndromes, Hereditary; Hereditary Cancer Syndrome; Hereditary neoplastic syndrome; Tumor predisposition. Identifiers: Orphanet 140162, MedGen C0027672, MeSH D009386, MONDO:0015356.

Submission:

Ambry Genetics
Classification: Uncertain significance for Hereditary cancer-predisposing syndrome. Last evaluated: 2023-05-30. Review status: criteria provided, single submitter. Criteria: Ambry Variant Classification Scheme 2023. Collection method: clinical testing. Allele origin: germline.
Comment: The p.T541A variant (also known as c.1621A>G), located in coding exon 11 of the MSH3 gene, results from an A to G substitution at nucleotide position 1621. The threonine at codon 541 is replaced by alanine, an amino acid with similar properties. This amino acid position is conserved. In addition, the in silico prediction for this alteration is inconclusive. Since supporting evidence is limited at this time, the clinical significance of this alteration remains unclear.

NM_002439.5(MSH3):c.1621A>G (p.Thr541Ala)

Gene: MSH3 (mutS homolog 3; plus strand). Cytogenetic location: 5q14.1.
Variant type: single nucleotide variant.
Coding change: c.1621A>G on transcript NM_002439.5 (MANE Select); coding-DNA position 1621, A replaced by G.
Protein change: p.Thr541Ala; replaces threonine 541 with alanine.
Molecular consequence: missense variant.
Genome position (GRCh38, 1-based): chr5:80,741,516, A>G. VCF-style: chr5-80741516-A-G. GRCh37 (hg19) VCF-style: chr5-80037335-A-G.
Other names: short protein forms T541A.
Identifiers: ClinVar variation 2565681 (VCV002565681.2), dbSNP rs2546760469, ClinGen allele CA360274531.
Genomic context (GRCh38, chr5:80,741,516, plus strand): 5'-TTTTACAGGAATTTTAAACAGCTATCAAGTAAAATGGAATTTATGACAATTAATGGAACA[A>G]CATTAAGGAATCTGGAAATCCTACAGAATCAGGTCAGGCAAATACAAGGGCTAGTTGATT-3'
Protein context (NP_002430.3, residues 531-551): KMEFMTINGT[Thr541Ala]LRNLEILQNQ